The following is an entry in ClinVar:

ClinVar aggregate classification (germline): Uncertain significance. Review status: criteria provided, multiple submitters, no conflicts (2 of 4 stars). 2 submissions from 2 submitters: Uncertain significance (2). Last evaluated 2025-12-03.

Conditions:
Deficiency of ferroxidase (ACEP). Also called: Ceruloplasmin deficiency; Familial apoceruloplasmin deficiency; Hereditary ceruloplasmin deficiency; Aceruloplasminemia; Deficiency of ceruloplasmin; NEURODEGENERATION WITH BRAIN IRON ACCUMULATION 10. Identifiers: Orphanet 48818, MedGen C0878682, MONDO:0011426, OMIM 604290, HP:0025498.
Inborn genetic diseases. Identifiers: MedGen C0950123, MeSH D030342.

Allele frequency attached by ClinVar (database versions not stated): gnomAD exomes 0.00003 and 0.00002; ESP Exome Variant Server 0.00008; gnomAD 0.00001 and 0.00002; ExAC 0.00002; TOPMed 0.00002; 1000 Genomes Project 30x 0.00016; 1000 Genomes Project 0.00020.
gnomAD v4.1: 27 of 1,614,126 alleles (0.0017%); highest among the groups gnomAD compares: Admixed American, 0.0033%; no homozygotes.

Submissions (2):

Labcorp Genetics (formerly Invitae), Labcorp
Classification: Uncertain significance for Deficiency of ferroxidase. Last evaluated: 2025-12-03. Review status: criteria provided, single submitter. Criteria: Invitae Variant Classification Sherloc (09022015). Collection method: clinical testing. Allele origin: germline.
Comment: This sequence change replaces arginine, which is basic and polar, with histidine, which is basic and polar, at codon 426 of the CP protein (p.Arg426His). This variant is present in population databases (rs181428197, gnomAD 0.005%). This variant has not been reported in the literature in individuals affected with CP-related conditions. ClinVar contains an entry for this variant (Variation ID: 1432973). Invitae Evidence Modeling of protein sequence and biophysical properties (such as structural, functional, and spatial information, amino acid conservation, physicochemical variation, residue mobility, and thermodynamic stability) indicates that this missense variant is not expected to disrupt CP protein function with a negative predictive value of 80%. In summary, the available evidence is currently insufficient to determine the role of this variant in disease. Therefore, it has been classified as a Variant of Uncertain Significance.

Ambry Genetics
Classification: Uncertain significance for Inborn genetic diseases. Last evaluated: 2024-10-03. Review status: criteria provided, single submitter. Criteria: Ambry Variant Classification Scheme 2023. Collection method: clinical testing. Allele origin: germline.

NM_000096.4(CP):c.1277G>A (p.Arg426His)

Gene: CP (ceruloplasmin; minus strand). Cytogenetic location: 3q25.1.
Variant type: single nucleotide variant.
Coding change: c.1277G>A on transcript NM_000096.4 (MANE Select); coding-DNA position 1277, G replaced by A.
Protein change: p.Arg426His; replaces arginine 426 with histidine.
Molecular consequence: missense variant. On other transcripts: non-coding transcript variant (1).
Genome position (GRCh38, 1-based): chr3:149,202,173, C>T on the plus strand (G>A on the coding strand, the complement: CP is on the minus strand). VCF-style: chr3-149202173-C-T. GRCh37 (hg19) VCF-style: chr3-148919960-C-T.
Other names: c.1277G>A (NM_000096.3); short protein forms R426H.
Identifiers: ClinVar variation 1432973 (VCV001432973.7), dbSNP rs181428197, ClinGen allele CA2661080.